The following is an entry in ClinVar:

ClinVar aggregate classification (germline): Conflicting classifications of pathogenicity. Review status: criteria provided, conflicting classifications (1 of 4 stars). 2 submissions from 2 submitters: Uncertain significance (1); Likely benign (1). Last evaluated 2024-04-03.

Conditions:
Hereditary cancer-predisposing syndrome. Also called: Neoplastic Syndromes, Hereditary; Tumor predisposition; Hereditary Cancer Syndrome; Hereditary neoplastic syndrome. Identifiers: Orphanet 140162, MedGen C0027672, MeSH D009386, MONDO:0015356.

Submissions (2):

Ambry Genetics
Classification: Likely benign for Hereditary cancer-predisposing syndrome. Last evaluated: 2024-04-03. Review status: criteria provided, single submitter. Criteria: Ambry Variant Classification Scheme 2023. Collection method: clinical testing. Allele origin: germline.

Color Diagnostics, LLC DBA Color Health
Classification: Uncertain significance for Hereditary cancer-predisposing syndrome. Last evaluated: 2024-03-06. Review status: criteria provided, single submitter. Criteria: ACMG Guidelines, 2015. Collection method: clinical testing. Allele origin: germline.
Comment: This missense variant replaces asparagine with threonine at codon 863 of the BRCA2 protein. Computational prediction suggests that this variant may not impact protein structure and function (internally defined REVEL score threshold <= 0.5, PMID: 27666373). To our knowledge, functional studies have not been reported for this variant. This variant has not been reported in individuals affected with hereditary cancer in the literature. This variant has not been identified in the general population by the Genome Aggregation Database (gnomAD). The available evidence is insufficient to determine the role of this variant in disease conclusively. Therefore, this variant is classified as a Variant of Uncertain Significance.

NM_000059.4(BRCA2):c.2588A>C (p.Asn863Thr)

Gene: BRCA2 (BRCA2 DNA repair associated; plus strand). Cytogenetic location: 13q13.1.
Variant type: single nucleotide variant.
Coding change: c.2588A>C on transcript NM_000059.4 (MANE Select); coding-DNA position 2588, A replaced by C.
Protein change: p.Asn863Thr; replaces asparagine 863 with threonine.
Molecular consequence: missense variant. On other transcripts: non-coding transcript variant (1), intron variant (2).
Genome position (GRCh38, 1-based): chr13:32,336,943, A>C. VCF-style: chr13-32336943-A-C. GRCh37 (hg19) VCF-style: chr13-32911080-A-C.
Other names: c.2588A>C, p.Asn863Thr (NM_001406719.1, NM_001406720.1); c.1909+3556A>C (NM_001406721.1); c.424+5913A>C (NM_001406722.1); short protein forms N863T.
Identifiers: ClinVar variation 2774890 (VCV002774890.3), dbSNP rs760880622, ClinGen allele CA387772605.